The following is an entry in ClinVar:

NM_014159.7(SETD2):c.2342C>G (p.Thr781Arg)

Gene: SETD2 (SET domain containing 2, histone lysine methyltransferase; minus strand). Cytogenetic location: 3p21.31.
Variant type: single nucleotide variant.
Coding change: c.2342C>G on transcript NM_014159.7 (MANE Select); coding-DNA position 2342, C replaced by G.
Protein change: p.Thr781Arg; replaces threonine 781 with arginine.
Molecular consequence: missense variant. On other transcripts: non-coding transcript variant (1).
Genome position (GRCh38, 1-based): chr3:47,122,294, G>C on the plus strand (C>G on the coding strand, the complement: SETD2 is on the minus strand). VCF-style: chr3-47122294-G-C. GRCh37 (hg19) VCF-style: chr3-47163784-G-C.
Other names: c.2210C>G, p.Thr737Arg (NM_001349370.3); short protein forms T737R, T781R.
Identifiers: ClinVar variation 3377553 (VCV003377553.1).

ClinVar aggregate classification (germline): Uncertain significance (1 of 4 stars; one submission).

Conditions:
Rabin-Pappas syndrome. Identifiers: MedGen C5774269, MONDO:0859331, OMIM 620155.

gnomAD v4.1: 6 of 1,614,062 alleles (0.00037%); highest among the groups gnomAD compares: South Asian, 0.0033%; no homozygotes.

Submission:

Neuberg Centre For Genomic Medicine, NCGM
Classification: Uncertain significance for Rabin-Pappas syndrome. Last evaluated: 2023-06-22. Review status: criteria provided, single submitter. Criteria: ACMG Guidelines, 2015. Collection method: clinical testing. Allele origin: germline. Inheritance: Autosomal dominant inheritance. Affected: yes.
Comment: The observed missense c.2342C>G(p.Thr781Arg) variant in SETD2 gene has not been reported previously as a pathogenic variant nor as a benign variant, to our knowledge. This variant is reported with the allele frequency of 0.0004% in the gnomAD Exomes. The amino acid Thr at position 781 is changed to a Arg changing protein sequence and it might alter its composition and physico-chemical properties. Computational evidence (Polyphen - Benign, SIFT - Tolerated, and MutationTaster - Polymorphism automatic) predicts conflicting evidence on protein structure and function for this variant. For these reasons, this variant has been classified as Uncertain Significance.